The following is an entry in ClinVar:

ClinVar aggregate classification (germline): Benign/Likely benign. Review status: criteria provided, multiple submitters, no conflicts (2 of 4 stars). 25 submissions from 20 submitters: Benign (22); Likely benign (1). 2 of the submissions do not count toward it. Last evaluated 2026-05-20.

Conditions:
Hereditary cancer-predisposing syndrome. Also called: Tumor predisposition; Neoplastic Syndromes, Hereditary; Hereditary Cancer Syndrome; Hereditary neoplastic syndrome. Identifiers: Orphanet 140162, MedGen C0027672, MeSH D009386, MONDO:0015356.
Cardiovascular phenotype. Identifiers: MedGen CN230736.
Neurofibromatosis, type 1 (NF1). Also called: Peripheral type neurofibromatosis; Neurofibromatosis, type I; NEUROFIBROMATOSIS, TYPE I, SOMATIC; VON RECKLINGHAUSEN DISEASE. Identifiers: Orphanet 636, MedGen C0027831, MONDO:0018975, OMIM 162200. Disease mechanism: loss of function.
Café-au-lait macules with pulmonary stenosis (WTSN). Also called: PULMONIC STENOSIS WITH CAFE-AU-LAIT SPOTS. Identifiers: MedGen C0553586, MONDO:0008672, OMIM 193520.
Neurofibromatosis-Noonan syndrome (NFNS). Also called: NEUROFIBROMATOSIS WITH NOONAN PHENOTYPE. Identifiers: Orphanet 638, MedGen C2931482, MONDO:0011035, OMIM 601321. Disease mechanism: loss of function.
Neurofibromatosis, familial spinal (FSNF). Identifiers: Orphanet 636, MedGen C1834235, MONDO:0008078, OMIM 162210. Disease mechanism: loss of function.
Juvenile myelomonocytic leukemia (JMML). Also called: LEUKEMIA, JUVENILE MYELOMONOCYTIC, SOMATIC. Identifiers: Orphanet 86834, MedGen C0349639, MONDO:0011908, OMIM 607785, HP:0012209.

Allele frequency attached by ClinVar (database versions not stated): gnomAD exomes 0.00343 and 0.00525; gnomAD 0.01527 and 0.01441; 1000 Genomes Project 0.01617; ESP Exome Variant Server 0.01630; TOPMed 0.01721; 1000 Genomes Project 30x 0.01733; ExAC 0.00566.
gnomAD v4.1: 7,382 of 1,614,072 alleles (0.46%); highest among the groups gnomAD compares: African/African-American, 4.5%; 86 homozygotes.

Submissions (25):

Myriad Genetics, Inc.
Classification: Benign for Neurofibromatosis, type 1. Last evaluated: 2026-05-20. Review status: criteria provided, single submitter. Criteria: Myriad Autosomal Dominant, Autosomal Recessive and X-Linked Classification Criteria (2023). Collection method: clinical testing. Allele origin: unknown.
Comment: This variant is considered benign. This variant is a silent/synonymous amino acid change and it is not expected to impact splicing.

Labcorp Genetics (formerly Invitae), Labcorp
Classification: Benign for Neurofibromatosis, type 1. Last evaluated: 2026-02-04. Review status: criteria provided, single submitter. Criteria: Invitae Variant Classification Sherloc (09022015). Collection method: clinical testing. Allele origin: germline.

ARUP Laboratories, Molecular Genetics and Genomics, ARUP Laboratories
Classification: Benign. Last evaluated: 2025-07-13. Review status: criteria provided, single submitter. Criteria: ARUP Molecular Germline Variant Investigation Process 2024. Collection method: clinical testing. Allele origin: germline.

KCCC/NGS Laboratory, Kuwait Cancer Control Center
Classification: Benign for Neurofibromatosis, type 1. Last evaluated: 2025-02-01. Review status: criteria provided, single submitter. Criteria: ACMG Guidelines, 2015. Collection method: clinical testing. Allele origin: germline. Affected: no.

Blueprint Genetics
Classification: Likely benign. Last evaluated: 2024-11-28. Review status: criteria provided, single submitter. Criteria: ACMG Guidelines, 2015. Collection method: clinical testing. Allele origin: germline.

KCCC/NGS Laboratory, Kuwait Cancer Control Center
Classification: Benign for Neurofibromatosis, familial spinal. Last evaluated: 2023-07-07. Review status: criteria provided, single submitter. Criteria: ACMG Guidelines, 2015. Collection method: clinical testing. Allele origin: germline. Affected: yes.

CeGaT Center for Human Genetics Tuebingen
Classification: Benign. Last evaluated: 2023-02-01. Review status: criteria provided, single submitter. Criteria: CeGaT Center For Human Genetics Tuebingen Variant Classification Criteria Version 2. Collection method: clinical testing. Allele origin: germline. Affected: yes. Observed: 4 variant alleles.
Comment: NF1: BP4, BP7, BS1, BS2

Genome-Nilou Lab
Classification: Benign for Neurofibromatosis, type 1. Last evaluated: 2022-03-15. Review status: criteria provided, single submitter. Criteria: ACMG Guidelines, 2015. Collection method: clinical testing. Allele origin: germline. Affected: no.

Department of Pathology and Laboratory Medicine, Sinai Health System
Classification: Benign for Neurofibromatosis, type 1; Neurofibromatosis, familial spinal; Café-au-lait macules with pulmonary stenosis; Neurofibromatosis-Noonan syndrome; Juvenile myelomonocytic leukemia. Last evaluated: 2021-11-26. Review status: criteria provided, single submitter. Criteria: ACMG Guidelines, 2015. Collection method: clinical testing. Allele origin: germline.

Mayo Clinic Laboratories, Mayo Clinic
Classification: Benign. Last evaluated: 2021-07-28. Review status: criteria provided, single submitter. Criteria: ACMG Guidelines, 2015. Collection method: clinical testing. Allele origin: germline. Observed: 15 variant alleles.
Comment: BS1, BS2, BP4, BP7

Genome Diagnostics Laboratory, The Hospital for Sick Children
Classification: Benign for Neurofibromatosis, type 1. Last evaluated: 2020-10-26. Review status: criteria provided, single submitter. Criteria: ACMG Guidelines, 2015. Collection method: clinical testing. Allele origin: germline. Affected: yes.

Sema4
Classification: Benign for Hereditary cancer-predisposing syndrome. Last evaluated: 2020-03-23. Review status: criteria provided, single submitter. Criteria: Sema4 Curation Guidelines. Collection method: curation. Allele origin: germline.

Illumina Laboratory Services, Illumina
Classification: Benign for Café-au-lait macules with pulmonary stenosis. Last evaluated: 2018-01-13. Review status: criteria provided, single submitter. Criteria: ICSL Variant Classification Criteria 13 December 2019. Collection method: clinical testing. Allele origin: germline.
Comment: This variant was observed in the ICSL laboratory as part of a predisposition screen in an ostensibly healthy population. It had not been previously curated by ICSL or reported in the Human Gene Mutation Database (HGMD: prior to June 1st, 2018), and was therefore a candidate for classification through an automated scoring system. Utilizing variant allele frequency, disease prevalence and penetrance estimates, and inheritance mode, an automated score was calculated to assess if this variant is too frequent to cause the disease. Based on the score and internal cut-off values, a variant classified as benign is not then subjected to further curation. The score for this variant resulted in a classification of benign for this disease.

Illumina Laboratory Services, Illumina
Classification: Benign for Neurofibromatosis-Noonan syndrome. Last evaluated: 2018-01-13. Review status: criteria provided, single submitter. Criteria: ICSL Variant Classification Criteria 13 December 2019. Collection method: clinical testing. Allele origin: germline.
Comment: the same text as in the submission from Illumina Laboratory Services, Illumina above.

Illumina Laboratory Services, Illumina
Classification: Benign for Neurofibromatosis, type 1. Last evaluated: 2018-01-13. Review status: criteria provided, single submitter. Criteria: ICSL Variant Classification Criteria 13 December 2019. Collection method: clinical testing. Allele origin: germline.
Comment: the same text as in the submission from Illumina Laboratory Services, Illumina above.

Illumina Laboratory Services, Illumina
Classification: Benign for Neurofibromatosis, familial spinal. Last evaluated: 2018-01-13. Review status: criteria provided, single submitter. Criteria: ICSL Variant Classification Criteria 13 December 2019. Collection method: clinical testing. Allele origin: germline.
Comment: the same text as in the submission from Illumina Laboratory Services, Illumina above.

Women's Health and Genetics/Laboratory Corporation of America, LabCorp
Classification: Benign. Last evaluated: 2016-08-30. Review status: criteria provided, single submitter. Criteria: LabCorp Variant Classification Summary - May 2015. Collection method: clinical testing. Allele origin: germline.
Comment: Variant summary: The NF1 c.4866G>A (p.Val1622Val) variant involves the alteration of a conserved nucleotide, resulting in a synonymous change. One in silico tool predicts a damaging outcome for this variant. 3/5 splice prediction tools predict no significant impact on splicing. ESE finder predicts that this variant may affect ESE site of SC35. This variant was found in 687/121388 control chromosomes (11 homozygotes), predominantly observed in the African subpopulation at a frequency of 0.0441346 (459/10400). This frequency is about 212 times the estimated maximal expected allele frequency of a pathogenic NF1 variant (0.0002084), suggesting this is likely a benign polymorphism found primarily in the populations of African origin. This variant has been reported in NF1 patients and RT-PCR showed no changes on transcripts; authors classified this variant as a polymorphism (Boulandet, 2000). In addition, multiple clinical diagnostic laboratories/reputable databases classified this variant as benign. Taken together, this variant is classified as benign.

GeneDx
Classification: Benign. Last evaluated: 2016-06-22. Review status: criteria provided, single submitter. Criteria: GeneDx Variant Classification (06012015). Collection method: clinical testing. Allele origin: germline. Affected: yes.
Comment: This variant is considered likely benign or benign based on one or more of the following criteria: it is a conservative change, it occurs at a poorly conserved position in the protein, it is predicted to be benign by multiple in silico algorithms, and/or has population frequency not consistent with disease.

Ambry Genetics
Classification: Benign for Cardiovascular phenotype; Hereditary cancer-predisposing syndrome. Last evaluated: 2015-03-21. Review status: criteria provided, single submitter. Criteria: Ambry Variant Classification Scheme 2023. Collection method: clinical testing. Allele origin: germline.

Ambry Genetics
Classification: Benign for Hereditary cancer-predisposing syndrome. Last evaluated: 2014-11-21. Review status: criteria provided, single submitter. Criteria: Ambry Autosomal Dominant and X-Linked criteria (10/2015). Collection method: clinical testing. Allele origin: germline. Observed: 1 variant allele.
Comment: General population or subpopulation frequency is too high to be a pathogenic mutation based on disease/syndrome prevalence and penetrance

Laboratory for Molecular Medicine, Mass General Brigham Personalized Medicine
Classification: Benign. Last evaluated: 2014-11-20. Review status: criteria provided, single submitter. Criteria: LMM Criteria. Collection method: clinical testing. Allele origin: germline. Observed: 12 variant alleles.
Comment: p.Val1643Val in exon 37 of NF1: This variant is not expected to have clinical si gnificance because it does not alter an amino acid residue, is not located withi n the splice consensus sequence, and has been identified in 0.2% (21/8600) of Eu ropean American chromosomes and 4.3% (191/4406) of African American chromosomes by the NHLBI Exome sequencing project (dbSNP rs17880521).

Breakthrough Genomics
Classification: Benign. Review status: criteria provided, single submitter. Criteria: ACMG Guidelines, 2015. Collection method: not provided. Allele origin: germline. Inheritance: Autosomal dominant inheritance. Affected: yes.

PreventionGenetics, part of Exact Sciences
Classification: Benign. Review status: criteria provided, single submitter. Criteria: ACMG Guidelines, 2015. Collection method: clinical testing. Allele origin: germline.

Clinical Genetics DNA and cytogenetics Diagnostics Lab, Erasmus MC, Erasmus Medical Center
Classification: Benign. Review status: no assertion criteria provided. Collection method: clinical testing. Allele origin: germline. Affected: yes. Study: VKGL Data-share Consensus. Not counted in ClinVar's aggregate classification.

Genome Diagnostics Laboratory, Amsterdam University Medical Center
Classification: Benign. Review status: no assertion criteria provided. Collection method: clinical testing. Allele origin: germline. Affected: yes. Study: VKGL Data-share Consensus. Not counted in ClinVar's aggregate classification.

Literature cited by the submitters: PubMed 10980545 (cited by Women's Health and Genetics/Laboratory Corporation of America, LabCorp).

NM_001042492.3(NF1):c.4929G>A (p.Val1643=)

Gene: NF1 (neurofibromin 1; plus strand). Cytogenetic location: 17q11.2.
Variant type: single nucleotide variant.
Coding change: c.4929G>A on transcript NM_001042492.3 (MANE Select); coding-DNA position 4929, G replaced by A.
Protein change: p.Val1643=; no amino-acid change (valine 1643 retained).
Molecular consequence: synonymous variant.
Genome position (GRCh38, 1-based): chr17:31,325,913, G>A. VCF-style: chr17-31325913-G-A. GRCh37 (hg19) VCF-style: chr17-29652931-G-A.
Other names: p.Val1622=; c.4866G>A, p.Val1622= (NM_000267.4).
Identifiers: ClinVar variation 184149 (VCV000184149.71), dbSNP rs17880521, ClinGen allele CA187979.